The following is an entry in ClinVar:

NM_144670.6(A2ML1):c.1429G>T (p.Asp477Tyr)

Gene: A2ML1 (alpha-2-macroglobulin like 1; plus strand). Cytogenetic location: 12p13.31.
Variant type: single nucleotide variant.
Coding change: c.1429G>T on transcript NM_144670.6 (MANE Select); coding-DNA position 1429, G replaced by T.
Protein change: p.Asp477Tyr; replaces aspartic acid 477 with tyrosine.
Molecular consequence: missense variant.
Genome position (GRCh38, 1-based): chr12:8,843,314, G>T. VCF-style: chr12-8843314-G-T. GRCh37 (hg19) VCF-style: chr12-8995910-G-T.
Other names: short protein forms D477Y.
Identifiers: ClinVar variation 3290293 (VCV003290293.1).

ClinVar aggregate classification (germline): Uncertain significance (1 of 4 stars; one submission).

Submission:

Ambry Genetics
Classification: Uncertain significance. Last evaluated: 2024-05-12. Review status: criteria provided, single submitter. Criteria: Ambry Variant Classification Scheme 2023. Collection method: clinical testing. Allele origin: germline.
Comment: The p.D477Y variant (also known as c.1429G>T), located in coding exon 12 of the A2ML1 gene, results from a G to T substitution at nucleotide position 1429. The aspartic acid at codon 477 is replaced by tyrosine, an amino acid with highly dissimilar properties. This amino acid position is conserved. In addition, this alteration is predicted to be tolerated by in silico analysis. Based on the available evidence, the clinical significance of this variant remains unclear.